The following is an entry in ClinVar:

NM_001440.4(EXTL3):c.2401G>A (p.Gly801Ser)

Gene: EXTL3 (exostosin like glycosyltransferase 3; plus strand). Cytogenetic location: 8p21.1.
Variant type: single nucleotide variant.
Coding change: c.2401G>A on transcript NM_001440.4 (MANE Select); coding-DNA position 2401, G replaced by A.
Protein change: p.Gly801Ser; replaces glycine 801 with serine.
Molecular consequence: missense variant. On other transcripts: non-coding transcript variant (1).
Genome position (GRCh38, 1-based): chr8:28,737,643, G>A. VCF-style: chr8-28737643-G-A. GRCh37 (hg19) VCF-style: chr8-28595160-G-A.
Other names: short protein forms G801S.
Identifiers: ClinVar variation 1504109 (VCV001504109.4), dbSNP rs751320973, ClinGen allele CA370864881.

ClinVar aggregate classification (germline): Uncertain significance (1 of 4 stars; one submission).

Allele frequency attached by ClinVar (database versions not stated): gnomAD 0.00001; TOPMed 0.00001.
gnomAD v4.1: 82 of 1,614,068 alleles (0.0051%); highest among the groups gnomAD compares: Non-Finnish European, 0.0068%; no homozygotes.

Submission:

Labcorp Genetics (formerly Invitae), Labcorp
Classification: Uncertain significance. Last evaluated: 2025-10-21. Review status: criteria provided, single submitter. Criteria: Invitae Variant Classification Sherloc (09022015). Collection method: clinical testing. Allele origin: germline.
Comment: This sequence change replaces glycine, which is neutral and non-polar, with serine, which is neutral and polar, at codon 801 of the EXTL3 protein (p.Gly801Ser). This variant is present in population databases (no rsID available, gnomAD 0.007%). This variant has not been reported in the literature in individuals affected with EXTL3-related conditions. ClinVar contains an entry for this variant (Variation ID: 1504109). Invitae Evidence Modeling of protein sequence and biophysical properties (such as structural, functional, and spatial information, amino acid conservation, physicochemical variation, residue mobility, and thermodynamic stability) has been performed for this missense variant. However, the output from this modeling did not meet the statistical confidence thresholds required to predict the impact of this variant on EXTL3 protein function. In summary, the available evidence is currently insufficient to determine the role of this variant in disease. Therefore, it has been classified as a Variant of Uncertain Significance.